The following is an entry in ClinVar:

NM_000159.4(GCDH):c.296A>G (p.Glu99Gly)

Gene: GCDH (glutaryl-CoA dehydrogenase; plus strand). Cytogenetic location: 19p13.13.
Variant type: single nucleotide variant.
Coding change: c.296A>G on transcript NM_000159.4 (MANE Select); coding-DNA position 296, A replaced by G.
Protein change: p.Glu99Gly; replaces glutamic acid 99 with glycine.
Molecular consequence: missense variant. On other transcripts: non-coding transcript variant (1).
Genome position (GRCh38, 1-based): chr19:12,892,140, A>G. VCF-style: chr19-12892140-A-G. GRCh37 (hg19) VCF-style: chr19-13002954-A-G.
Other names: c.296A>G, p.Glu99Gly (NM_013976.5); short protein forms E99G.
Identifiers: ClinVar variation 625292 (VCV000625292.3), dbSNP rs1294124984, ClinGen allele CA404315924.
Genomic context (GRCh38, chr19:12,892,140, plus strand): 5'-GCCTGGGCCTGAATTTGGGCACTGGTCCCTTTGCAGTTTTTCATCGGGAGATCATTTCGG[A>G]GATGGGGGAGTTGGGTGTGCTGGGCCCCACCATCAAAGGTAGGAACAAGTATCTCTCCAC-3'
Protein context (NP_000150.1, residues 89-109): NEVFHREIIS[Glu99Gly]MGELGVLGPT

ClinVar aggregate classification (germline): Uncertain significance. Review status: criteria provided, single submitter (1 of 4 stars). 2 submissions from 2 submitters: Uncertain significance (1). 1 of the submissions does not count toward it. Last evaluated 2021-10-11.

Conditions:
Inborn genetic diseases. Identifiers: MedGen C0950123, MeSH D030342.
Glutaric aciduria, type 1. Also called: GA I; Glutaric Acidemia Type 1; Glutaryl-CoA dehydrogenase deficiency; Glutaric acidemia type I; Glutaricacidemia Type 1; Glutaricaciduria, type I. Identifiers: Orphanet 25, MedGen C0268595, MONDO:0009281, OMIM 231670.

Allele frequency attached by ClinVar (database versions not stated): gnomAD exomes below 0.00001.
gnomAD v4.1: 1 of 1,614,142 alleles (0.000062%); highest among the groups gnomAD compares: South Asian, 0.0011%; no homozygotes.

Submissions (2):

Ambry Genetics
Classification: Uncertain significance for Inborn genetic diseases. Last evaluated: 2021-10-11. Review status: criteria provided, single submitter. Criteria: Ambry Variant Classification Scheme 2023. Collection method: clinical testing. Allele origin: germline.
Comment: The p.E99G variant (also known as c.296A>G), located in coding exon 4 of the GCDH gene, results from an A to G substitution at nucleotide position 296. The glutamic acid at codon 99 is replaced by glycine, an amino acid with similar properties. This amino acid position is conserved. In addition, this alteration is predicted to be deleterious by in silico analysis. Since supporting evidence is limited at this time, the clinical significance of this alteration remains unclear.

National Institute of Mental Health and Neurosciences
Classification: Pathogenic for Glutaric aciduria, type 1. Last evaluated: 2016-05-18. Review status: no assertion criteria provided. Collection method: research. Allele origin: germline. Affected: yes. Observed: 1 variant allele, 1 homozygote. Not counted in ClinVar's aggregate classification.